The following is an entry in ClinVar:

NM_001277115.2(DNAH11):c.1710+1G>C

Gene: DNAH11 (dynein axonemal heavy chain 11; plus strand). Cytogenetic location: 7p15.3.
Variant type: single nucleotide variant.
Coding change: c.1710+1G>C on transcript NM_001277115.2 (MANE Select); the canonical splice donor site of the intron after coding-DNA position 1710, G replaced by C.
Molecular consequence: splice donor variant.
Genome position (GRCh38, 1-based): chr7:21,582,022, G>C. VCF-style: chr7-21582022-G-C. GRCh37 (hg19) VCF-style: chr7-21621640-G-C.
Identifiers: ClinVar variation 934058 (VCV000934058.2), dbSNP rs1784326790, ClinGen allele CA366937467.

ClinVar aggregate classification (germline): Pathogenic/Likely pathogenic. Review status: criteria provided, multiple submitters, no conflicts (2 of 4 stars). 2 submissions from 2 submitters: Pathogenic (1); Likely pathogenic (1). Last evaluated 2021-10-15.

Conditions:
Primary ciliary dyskinesia 7. Also called: CILIARY DYSKINESIA, PRIMARY, 7, WITH OR WITHOUT SITUS INVERSUS. Identifiers: Orphanet 244, MedGen C2678473, MONDO:0012748, OMIM 611884.
Primary ciliary dyskinesia. Also called: Ciliary dyskinesia. Identifiers: Orphanet 244, MedGen C0008780, MONDO:0016575, HP:0012265.

Submissions (2):

Fulgent Genetics
Classification: Likely pathogenic for Primary ciliary dyskinesia 7. Last evaluated: 2021-10-15. Review status: criteria provided, single submitter. Criteria: ACMG Guidelines, 2015. Collection method: clinical testing. Allele origin: unknown.

Labcorp Genetics (formerly Invitae), Labcorp
Classification: Pathogenic for Primary ciliary dyskinesia. Last evaluated: 2019-06-18. Review status: criteria provided, single submitter. Criteria: Invitae Variant Classification Sherloc (09022015). Collection method: clinical testing. Allele origin: germline.
Comment: This sequence change affects a donor splice site in intron 9 of the DNAH11 gene. It is expected to disrupt RNA splicing and likely results in an absent or disrupted protein product. This variant is not present in population databases (ExAC no frequency). Donor and acceptor splice site variants typically lead to a loss of protein function (PMID: 16199547), and loss-of-function variants in DNAH11 are known to be pathogenic (PMID: 18022865, 20513915, 22184204). For these reasons, this variant has been classified as Pathogenic.

Literature cited by the submitters: PubMed 22184204 (cited by Labcorp Genetics (formerly Invitae), Labcorp); PubMed 18022865 (cited by Labcorp Genetics (formerly Invitae), Labcorp); PubMed 20513915 (cited by Labcorp Genetics (formerly Invitae), Labcorp).